The following is an entry in ClinVar:

ClinVar aggregate classification (germline): Pathogenic/Likely pathogenic. Review status: criteria provided, multiple submitters, no conflicts (2 of 4 stars). 3 submissions from 3 submitters: Pathogenic (1); Likely pathogenic (2). Last evaluated 2023-09-11.

Conditions:
Hereditary cancer-predisposing syndrome. Also called: Neoplastic Syndromes, Hereditary; Tumor predisposition; Hereditary Cancer Syndrome; Hereditary neoplastic syndrome. Identifiers: Orphanet 140162, MedGen C0027672, MeSH D009386, MONDO:0015356.
Familial cancer of breast. Also called: BREAST CANCER, FAMILIAL; Hereditary breast cancer; hereditary breast carcinoma. Identifiers: Orphanet 227535, MedGen C0346153, MONDO:0016419, OMIM 114480. Disease mechanism: loss of function.

gnomAD v4.1: 1 of 1,614,176 alleles (0.000062%); highest among the groups gnomAD compares: Non-Finnish European, 0.000085%; no homozygotes.

Submissions (3):

Ambry Genetics
Classification: Likely pathogenic for Hereditary cancer-predisposing syndrome. Last evaluated: 2023-09-11. Review status: criteria provided, single submitter. Criteria: Ambry Variant Classification Scheme 2023. Collection method: clinical testing. Allele origin: germline.
Comment: The p.Y722* variant (also known as c.2166C>G), located in coding exon 11 of the BARD1 gene, results from a C to G substitution at nucleotide position 2166. This changes the amino acid from a tyrosine to a stop codon within coding exon 11. Premature stop codons are typically deleterious in nature; however, this stop codon occurs at the 3' terminus of BARD1, is not expected to trigger nonsense-mediated mRNA decay, and removes only the last 56 amino acids of the protein. The exact functional impact of these removed amino acids is unknown at this time; however, structural analysis suggests this alteration results in loss of a large part of a well-ordered C-terminal BRCT domain with destabilization of the structure, which could disrupt protein-protein interactions (Birrane G et al. Biochemistry. 2007 Jul; 46(26):7706-12; Feki A et al. Oncogene. 2005 May; 24(23):3726-36; Edwards RA et al. Biochemistry. 2008 Nov; 47(44):11446-56; Rodriguez M et al. J. Biol. Chem. 2003 Dec; 278(52):52914-8; Ambry internal data). Based on the majority of available evidence to date, this variant is likely to be pathogenic.

Myriad Genetics, Inc.
Classification: Pathogenic for Familial cancer of breast. Last evaluated: 2023-05-25. Review status: criteria provided, single submitter. Criteria: Myriad Autosomal Dominant, Autosomal Recessive and X-Linked Classification Criteria (2023). Collection method: clinical testing. Allele origin: unknown.
Comment: This variant is considered pathogenic. This variant creates a termination codon and is predicted to result in premature protein truncation.

Labcorp Genetics (formerly Invitae), Labcorp
Classification: Likely pathogenic for Familial cancer of breast. Last evaluated: 2022-06-23. Review status: criteria provided, single submitter. Criteria: Invitae Variant Classification Sherloc (09022015). Collection method: clinical testing. Allele origin: germline.
Comment: In summary, the currently available evidence indicates that the variant is pathogenic, but additional data are needed to prove that conclusively. Therefore, this variant has been classified as Likely Pathogenic. This variant disrupts the C-terminal BRCT domain of BARD1 protein, which is required for chromosome stability and homology-directed repair (PMID: 17848578). A different variant (p.Val767fs) that lies downstream of this variant has been reported to affect BARD1 protein function (PMID: 30925164), this suggests that disruption of this region of the protein is causative of disease. This variant has not been reported in the literature in individuals affected with BARD1-related conditions. This variant is not present in population databases (gnomAD no frequency). This sequence change creates a premature translational stop signal (p.Tyr722*) in the BARD1 gene. While this is not anticipated to result in nonsense mediated decay, it is expected to disrupt the last 56 amino acid(s) of the BARD1 protein.

Literature cited by the submitters: PubMed 17848578 (cited by Labcorp Genetics (formerly Invitae), Labcorp); PubMed 30925164 (cited by Labcorp Genetics (formerly Invitae), Labcorp).

NM_000465.4(BARD1):c.2166C>G (p.Tyr722Ter)

Gene: BARD1 (BRCA1 associated RING domain 1; minus strand). Cytogenetic location: 2q35.
Variant type: single nucleotide variant.
Coding change: c.2166C>G on transcript NM_000465.4 (MANE Select); coding-DNA position 2166, C replaced by G.
Protein change: p.Tyr722Ter; replaces tyrosine 722 with a stop codon.
Molecular consequence: nonsense. On other transcripts: non-coding transcript variant (3).
Genome position (GRCh38, 1-based): chr2:214,728,844, G>C on the plus strand (C>G on the coding strand, the complement: BARD1 is on the minus strand). VCF-style: chr2-214728844-G-C. GRCh37 (hg19) VCF-style: chr2-215593568-G-C.
Other names: c.2109C>G, p.Tyr703Ter (NM_001282543.2); c.813C>G, p.Tyr271Ter (NM_001282545.2); c.756C>G, p.Tyr252Ter (NM_001282548.2); c.627C>G, p.Tyr209Ter (NM_001282549.2); short protein forms Y209*, Y703*, Y252*, Y722*, Y271*.
Identifiers: ClinVar variation 1786981 (VCV001786981.9), dbSNP rs2105987094, ClinGen allele CA350450416.